The following is an entry in ClinVar:

NM_001267550.2(TTN):c.102140T>C (p.Met34047Thr)

Genes: TTN-AS1 (TTN antisense RNA 1; plus strand), TTN (titin; minus strand). Cytogenetic location: 2q31.2.
Variant type: single nucleotide variant.
Coding change: c.102140T>C on transcript NM_001267550.2 (MANE Select); coding-DNA position 102140, T replaced by C.
Protein change: p.Met34047Thr; replaces methionine 34047 with threonine.
Molecular consequence: missense variant.
Genome position (GRCh38, 1-based): chr2:178,534,475, A>G on the plus strand (T>C on the coding strand, the complement: TTN is on the minus strand). VCF-style: chr2-178534475-A-G. GRCh37 (hg19) VCF-style: chr2-179399202-A-G.
Other names: c.97217T>C, p.Met32406Thr (NM_001256850.1); c.74945T>C, p.Met24982Thr (NM_003319.4); c.94436T>C, p.Met31479Thr (NM_133378.4); c.75320T>C, p.Met25107Thr (NM_133432.3); c.75521T>C, p.Met25174Thr (NM_133437.4); short protein forms M25174T, M24982T, M25107T, M34047T, M31479T, M32406T.
Identifiers: ClinVar variation 1345998 (VCV001345998.6), dbSNP rs745563787, ClinGen allele CA1985806.

ClinVar aggregate classification (germline): Uncertain significance (1 of 4 stars; one submission).

Conditions:
Dilated cardiomyopathy 1G (CMD1G). Identifiers: Orphanet 154, MedGen C1858763, MONDO:0011400, OMIM 604145.
Autosomal recessive limb-girdle muscular dystrophy type 2J (LGMDR10). Also called: Limb-girdle muscular dystrophy, type 2J; MUSCULAR DYSTROPHY, LIMB-GIRDLE, AUTOSOMAL RECESSIVE 10. Identifiers: Orphanet 140922, MedGen C1837342, MONDO:0012127, OMIM 608807.

Allele frequency attached by ClinVar (database versions not stated): ExAC 0.00001.

Submission:

Labcorp Genetics (formerly Invitae), Labcorp
Classification: Uncertain significance for Dilated cardiomyopathy 1G; Autosomal recessive limb-girdle muscular dystrophy type 2J. Last evaluated: 2023-01-07. Review status: criteria provided, single submitter. Criteria: Invitae Variant Classification Sherloc (09022015). Collection method: clinical testing. Allele origin: germline.
Comment: ClinVar contains an entry for this variant (Variation ID: 1345998). In summary, the available evidence is currently insufficient to determine the role of this variant in disease. Therefore, it has been classified as a Variant of Uncertain Significance. This variant is located in the M band of TTN (PMID: 25589632). Variants in this region may be relevant for neuromuscular disorders, but have not been definitively shown to cause cardiomyopathy (PMID: 23975875). Experimental studies and prediction algorithms are not available or were not evaluated, and the functional significance of this variant is currently unknown. This variant has not been reported in the literature in individuals affected with TTN-related conditions. This variant is present in population databases (rs745563787, gnomAD 0.003%). This sequence change replaces methionine, which is neutral and non-polar, with threonine, which is neutral and polar, at codon 34047 of the TTN protein (p.Met34047Thr).

Literature cited by the submitters: PubMed 25589632; PubMed 23975875.